The following is an entry in ClinVar:

ClinVar aggregate classification (germline): Uncertain significance (1 of 4 stars; one submission).

Conditions:
GP1BA-related disorder. Also called: GP1BA-related condition.

gnomAD v4.1: 108 of 1,613,910 alleles (0.0067%); highest among the groups gnomAD compares: Non-Finnish European, 0.0085%; no homozygotes.

Submission:

PreventionGenetics, part of Exact Sciences
Classification: Uncertain significance for GP1BA-related condition. Last evaluated: 2026-05-09. Review status: criteria provided, single submitter. Criteria: ACMG Guidelines, 2015. Collection method: clinical testing. Allele origin: germline.
Comment: The GP1BA c.1841G>A variant is predicted to result in the amino acid substitution p.Arg614Gln. To our knowledge, this variant has not been reported in the literature. This variant is reported in 0.0055% of alleles in individuals of European (Non-Finnish) descent in gnomAD. At this time, the clinical significance of this variant is uncertain due to the absence of conclusive functional and genetic evidence.

NM_000173.7(GP1BA):c.1841G>A (p.Arg614Gln)

Genes: GP1BA (glycoprotein Ib platelet subunit alpha; plus strand), LOC130060044 (ATAC-STARR-seq lymphoblastoid active region 11554; plus strand). Cytogenetic location: 17p13.2.
Variant type: single nucleotide variant.
Coding change: c.1841G>A on transcript NM_000173.7 (MANE Select); coding-DNA position 1841, G replaced by A.
Protein change: p.Arg614Gln; replaces arginine 614 with glutamine.
Molecular consequence: missense variant.
Genome position (GRCh38, 1-based): chr17:4,934,445, G>A. VCF-style: chr17-4934445-G-A. GRCh37 (hg19) VCF-style: chr17-4837740-G-A.
Other names: short protein forms R614Q.
Identifiers: ClinVar variation 4977214 (VCV004977214.1).